The following is an entry in ClinVar:

NM_194248.3(OTOF):c.5231T>A (p.Val1744Glu)

Gene: OTOF (otoferlin; minus strand). Cytogenetic location: 2p23.3.
Variant type: single nucleotide variant.
Coding change: c.5231T>A on transcript NM_194248.3 (MANE Select); coding-DNA position 5231, T replaced by A.
Protein change: p.Val1744Glu; replaces valine 1744 with glutamic acid.
Molecular consequence: missense variant.
Genome position (GRCh38, 1-based): chr2:26,462,143, A>T on the plus strand (T>A on the coding strand, the complement: OTOF is on the minus strand). VCF-style: chr2-26462143-A-T. GRCh37 (hg19) VCF-style: chr2-26685011-A-T.
Other names: c.5231T>A, p.Val1744Glu (NM_001287489.2); c.2930T>A, p.Val977Glu (NM_004802.4, NM_194323.3); c.3161T>A, p.Val1054Glu (NM_194322.3); short protein forms V1054E, V1744E, V977E.
Identifiers: ClinVar variation 4879898 (VCV004879898.1).

ClinVar aggregate classification (germline): Likely pathogenic (0 of 4 stars; one submission).

Conditions:
Autosomal recessive nonsyndromic hearing loss 9. Also called: NEUROSENSORY NONSYNDROMIC RECESSIVE DEAFNESS 9; OTOF-Related Hearing Loss; Deafness, autosomal recessive 9; AUDITORY NEUROPATHY, AUTOSOMAL RECESSIVE, 1, TEMPERATURE-SENSITIVE. Identifiers: Orphanet 90636, MedGen C1832828, MONDO:0010986, OMIM 601071.

Submission:

Diagnosis and Treatment Center of Genetic Hearing Loss, Eye & ENT Hospital of Fudan University
Classification: Likely pathogenic for Autosomal recessive nonsyndromic hearing loss 9. Last evaluated: 2026-02-04. Review status: no assertion criteria provided. Collection method: clinical testing. Allele origin: germline. Inheritance: Autosomal recessive inheritance. Affected: yes.
Comment: The c.5231T>A missense variant in OTOF has a REVEL score of 0.951 (PP3_Strong). It is absent from population databases (PM2_Supporting). It has been found in trans with a likely pathogenic variant (c.[5098G>C;5975A>G]) (PM3).